The following is an entry in ClinVar:

NM_000329.3(RPE65):c.1103A>G (p.Tyr368Cys)

Gene: RPE65 (retinoid isomerohydrolase RPE65; minus strand). Cytogenetic location: 1p31.3.
Variant type: single nucleotide variant.
Coding change: c.1103A>G on transcript NM_000329.3 (MANE Select); coding-DNA position 1103, A replaced by G.
Protein change: p.Tyr368Cys; replaces tyrosine 368 with cysteine.
Molecular consequence: missense variant.
Genome position (GRCh38, 1-based): chr1:68,438,212, T>C on the plus strand (A>G on the coding strand, the complement: RPE65 is on the minus strand). VCF-style: chr1-68438212-T-C. GRCh37 (hg19) VCF-style: chr1-68903895-T-C.
Other names: NM_000329.3(RPE65):c.1103A>G; short protein forms Y368C.
Identifiers: ClinVar variation 98826 (VCV000098826.3), dbSNP rs62653012, ClinGen allele CA226485.

ClinVar aggregate classification (germline): Pathogenic. Review status: reviewed by expert panel (3 of 4 stars). 2 submissions from 2 submitters: Pathogenic (1). 1 of the submissions does not count toward it. Last evaluated 2026-06-23.

Conditions:
RPE65-related recessive retinopathy. Also called: Recessive RPE65 retinopathy. Identifiers: MedGen CN305526, MONDO:0100368.

Submissions (2):

ClinGen Leber Congenital Amaurosis/early Onset Retinal Dystrophy Variant Curation Expert Panel, ClinGen
Classification: Pathogenic for RPE65-related recessive retinopathy. Last evaluated: 2026-06-23. Review status: reviewed by expert panel. Criteria: ClinGen LCAeoRD ACMG Specifications RPE65 V1.0.0. Collection method: curation. Allele origin: germline. Inheritance: Autosomal recessive inheritance.
Comment: NM_000329.3(RPE65):c.1103A>G (p.Tyr368Cys) is a missense variant that replaces tyrosine with cysteine at amino acid 368. Another missense variant in the same codon, NM_000329.3(RPE65):c.1102T>C (p.Tyr368His), has been classified as pathogenic for RPE65-related recessive retinopathy by the ClinGen LCA / eoRD VCEP. SpliceAI confirms that neither variant is strongly predicted to cause a splicing defect (PM5). This variant is absent from gnomAD v4.1.1 (PM2_Supporting). This variant has been reported in 2 probands with early-onset severe retinal dystrophy who were compound heterozygous with the second variant confirmed in trans. One patient carried NM_000329.3(RPE65):c.200T>G (p.Leu67Arg) and the other NM_000329.3(RPE65):c.271C>T (p.Arg91Trp), both previously classified pathogenic by the ClinGen LCA / eoRD VCEP (2 points, PMID: 22509104, PM3_Strong). Together these are highly specific for RPE65-related recessive retinopathy (12.5 points, PMID: 40757766, PP4_Moderate). The variant has been reported to segregate with childhood-onset severe retinal dystrophy through at least 1 affected meiosis from 1 family, with the variant present in the compound heterozygous state (PP1; PMID: 22509104). The computational predictor REVEL gives a score of 0.961, which is above the ClinGen LCA / eoRD VCEP threshold of ≥ 0.773 and predicts a damaging effect on RPE65 function (PP3_Moderate). The splicing predictor SpliceAI gives a score of 0.09 for splice acceptor gain, which does not strongly predict an effect on splicing. In summary, this variant meets the criteria to be classified as Pathogenic for RPE65-related recessive retinopathy based on the ACMG/AMP criteria applied, as specified by the ClinGen LCA/eoRD VCEP: PM5, PM2_Supporting, PM3_Strong, PP1, PP3_Moderate, and PP4_Moderate. (VCEP specifications version 1.0.0; date of approval 09/21/2023).

Retina International
No classification provided. Review status: no classification provided. Collection method: not provided. Allele origin: not provided. Not counted in ClinVar's aggregate classification.